The following is an entry in ClinVar:

NM_201384.3(PLEC):c.10649A>T (p.Glu3550Val)

Gene: PLEC (plectin; minus strand). Cytogenetic location: 8q24.3.
Variant type: single nucleotide variant.
Coding change: c.10649A>T on transcript NM_201384.3 (MANE Select); coding-DNA position 10649, A replaced by T.
Protein change: p.Glu3550Val; replaces glutamic acid 3550 with valine.
Molecular consequence: missense variant.
Genome position (GRCh38, 1-based): chr8:143,919,172, T>A on the plus strand (A>T on the coding strand, the complement: PLEC is on the minus strand). VCF-style: chr8-143919172-T-A. GRCh37 (hg19) VCF-style: chr8-144993340-T-A.
Other names: c.10730A>T, p.Glu3577Val (NM_000445.5); c.10607A>T, p.Glu3536Val (NM_201378.4); c.10583A>T, p.Glu3528Val (NM_201379.3); c.11060A>T, p.Glu3687Val (NM_201380.4); c.10553A>T, p.Glu3518Val (NM_201381.3); c.10649A>T, p.Glu3550Val (NM_201382.4); c.10661A>T, p.Glu3554Val (NM_201383.3); short protein forms E3550V, E3536V, E3554V, E3577V, E3518V, E3528V, E3687V.
Identifiers: ClinVar variation 1450182 (VCV001450182.6), dbSNP rs1821633969, ClinGen allele CA372497258.

ClinVar aggregate classification (germline): Uncertain significance (1 of 4 stars; one submission).

Conditions:
Epidermolysis bullosa simplex 5B, with muscular dystrophy (EBS5B). Also called: Epidermolysis bullosa simplex with muscular dystrophy; EPIDERMOLYSIS BULLOSA SIMPLEX AND LIMB-GIRDLE MUSCULAR DYSTROPHY. Identifiers: Orphanet 257, MedGen C2931072, MONDO:0009181, OMIM 226670.
Epidermolysis bullosa simplex, Ogna type (EBS5A). Also called: Pidermolysis bullosa simplex 5A, Ogna type; EPIDERMOLYSIS BULLOSA SIMPLEX 5A, OGNA TYPE. Identifiers: Orphanet 79401, MedGen C0432317, MONDO:0007555, OMIM 131950.
Epidermolysis bullosa simplex with nail dystrophy (EBS5D). Identifiers: MedGen C4225309, MONDO:0014661, OMIM 616487.
Epidermolysis bullosa simplex 5C, with pyloric atresia (EBS5C). Also called: Epidermolysis bullosa simplex with pyloric atresia; PLEC-Related Epidermolysis Bullosa with Pyloric Atresia; PLEC1-Related Epidermolysis Bullosa with Pyloric Atresia. Identifiers: Orphanet 158684, MedGen C2677349, MONDO:0012807, OMIM 612138.
Autosomal recessive limb-girdle muscular dystrophy type 2Q (LGMDR17). Also called: MUSCULAR DYSTROPHY, LIMB-GIRDLE, AUTOSOMAL RECESSIVE 17. Identifiers: Orphanet 254361, MedGen C3150989, MONDO:0013390, OMIM 613723.

Allele frequency attached by ClinVar (database versions not stated): gnomAD exomes below 0.00001.
gnomAD v4.1: 1 of 1,613,682 alleles (0.000062%); highest among the groups gnomAD compares: South Asian, 0.0011%; no homozygotes.

Submission:

Labcorp Genetics (formerly Invitae), Labcorp
Classification: Uncertain significance for Autosomal recessive limb-girdle muscular dystrophy type 2Q; Epidermolysis bullosa simplex, Ogna type; Epidermolysis bullosa simplex with nail dystrophy; Epidermolysis bullosa simplex 5C, with pyloric atresia; Epidermolysis bullosa simplex 5B, with muscular dystrophy. Last evaluated: 2021-11-10. Review status: criteria provided, single submitter. Criteria: Invitae Variant Classification Sherloc (09022015). Collection method: clinical testing. Allele origin: germline.
Comment: This sequence change replaces glutamic acid, which is acidic and polar, with valine, which is neutral and non-polar, at codon 3577 of the PLEC protein (p.Glu3577Val). This variant is not present in population databases (gnomAD no frequency). This variant has not been reported in the literature in individuals affected with PLEC-related conditions. Algorithms developed to predict the effect of missense changes on protein structure and function are either unavailable or do not agree on the potential impact of this missense change (SIFT: "Tolerated"; PolyPhen-2: "Possibly Damaging"; Align-GVGD: "Class C0"). In summary, the available evidence is currently insufficient to determine the role of this variant in disease. Therefore, it has been classified as a Variant of Uncertain Significance.